The following is an entry in ClinVar:

ClinVar aggregate classification (germline): Benign/Likely benign. Review status: criteria provided, multiple submitters, no conflicts (2 of 4 stars). 3 submissions from 3 submitters: Benign (1); Likely benign (2). Last evaluated 2026-02-03.

Allele frequency attached by ClinVar (database versions not stated): gnomAD exomes 0.00102 and 0.00035; ExAC 0.00131; gnomAD 0.00380 and 0.00412; TOPMed 0.00420; 1000 Genomes Project 0.00439; ESP Exome Variant Server 0.00454; 1000 Genomes Project 30x 0.00468.

Submissions (3):

Labcorp Genetics (formerly Invitae), Labcorp
Classification: Benign. Last evaluated: 2026-02-03. Review status: criteria provided, single submitter. Criteria: Invitae Variant Classification Sherloc (09022015). Collection method: clinical testing. Allele origin: germline.

CeGaT Center for Human Genetics Tuebingen
Classification: Likely benign. Last evaluated: 2025-11-01. Review status: criteria provided, single submitter. Criteria: CeGaT Center For Human Genetics Tuebingen Variant Classification Criteria Version 2. Collection method: clinical testing. Allele origin: germline. Affected: yes. Observed: 1 variant allele.
Comment: GPAA1: BS1

Blueprint Genetics
Classification: Likely benign. Last evaluated: 2024-05-28. Review status: criteria provided, single submitter. Criteria: ACMG Guidelines, 2015. Collection method: clinical testing. Allele origin: germline.

NM_003801.4(GPAA1):c.629C>T (p.Ser210Phe)

Gene: GPAA1 (glycosylphosphatidylinositol anchor attachment 1; plus strand). Cytogenetic location: 8q24.3.
Variant type: single nucleotide variant.
Coding change: c.629C>T on transcript NM_003801.4 (MANE Select); coding-DNA position 629, C replaced by T.
Protein change: p.Ser210Phe; replaces serine 210 with phenylalanine.
Molecular consequence: missense variant.
Genome position (GRCh38, 1-based): chr8:144,084,146, C>T. VCF-style: chr8-144084146-C-T. GRCh37 (hg19) VCF-style: chr8-145139049-C-T.
Other names: short protein forms S210F.
Identifiers: ClinVar variation 716091 (VCV000716091.17), dbSNP rs73379188, ClinGen allele CA4932892.